The following is an entry in ClinVar:

NM_014319.5(LEMD3):c.934G>T (p.Gly312Ter)

Gene: LEMD3 (LEM domain containing 3; plus strand). Cytogenetic location: 12q14.3.
Variant type: single nucleotide variant.
Coding change: c.934G>T on transcript NM_014319.5 (MANE Select); coding-DNA position 934, G replaced by T.
Protein change: p.Gly312Ter; replaces glycine 312 with a stop codon.
Molecular consequence: nonsense.
Genome position (GRCh38, 1-based): chr12:65,170,530, G>T. VCF-style: chr12-65170530-G-T. GRCh37 (hg19) VCF-style: chr12-65564310-G-T.
Other names: c.934G>T, p.Gly312Ter (NM_001167614.2); short protein forms G312*.
Identifiers: ClinVar variation 1076319 (VCV001076319.7), dbSNP rs2136313227, ClinGen allele CA385674447.
Genomic context (GRCh38, chr12:65,170,530, plus strand): 5'-AAGCCTCTCCCCCCGCTGACTGCTAAATCGGCCGGCGGCAGGCTGGAGACTTCAGTTCAG[G>T]GAGGGGGAGGACTCGCGATGAATGACAGGGCGGCGGCTGCCGGGAGTCTAGACAGGAGCC-3'

ClinVar aggregate classification (germline): Pathogenic (1 of 4 stars; one submission).

Submission:

Labcorp Genetics (formerly Invitae), Labcorp
Classification: Pathogenic. Last evaluated: 2020-08-14. Review status: criteria provided, single submitter. Criteria: Invitae Variant Classification Sherloc (09022015). Collection method: clinical testing. Allele origin: germline.
Comment: This sequence change creates a premature translational stop signal (p.Gly312*) in the LEMD3 gene. It is expected to result in an absent or disrupted protein product. This variant is not present in population databases (ExAC no frequency). This variant has not been reported in the literature in individuals with LEMD3-related conditions. Algorithms developed to predict the effect of sequence changes on RNA splicing suggest that this variant may create or strengthen a splice site, but this prediction has not been confirmed by published transcriptional studies. Loss-of-function variants in LEMD3 are known to be pathogenic (PMID: 15489854, 19438932). For these reasons, this variant has been classified as Pathogenic.

Literature cited by the submitters: PubMed 15489854; PubMed 19438932.